The following is an entry in ClinVar:

ClinVar aggregate classification (germline): Uncertain significance (1 of 4 stars; one submission).

Submission:

GeneDx
Classification: Uncertain significance. Last evaluated: 2026-04-06. Review status: criteria provided, single submitter. Criteria: GeneDx Variant Classification Process June 2021. Collection method: clinical testing. Allele origin: germline.
Comment: Not observed at significant frequency in large population cohorts (gnomAD); In silico analysis supports that this missense variant has a deleterious effect on protein structure/function; Has not been previously published as pathogenic or benign to our knowledge

NM_178014.4(TUBB):c.641C>T (p.Thr214Ile)

Gene: TUBB (tubulin beta class I; plus strand). Cytogenetic location: 6p21.33.
Variant type: single nucleotide variant.
Coding change: c.641C>T on transcript NM_178014.4 (MANE Select); coding-DNA position 641, C replaced by T.
Protein change: p.Thr214Ile; replaces threonine 214 with isoleucine.
Molecular consequence: missense variant. On other transcripts: intron variant (1).
Genome position (GRCh38, 1-based): chr6:30,723,703, C>T. VCF-style: chr6-30723703-C-T. GRCh37 (hg19) VCF-style: chr6-30691480-C-T.
Other names: c.701C>T, p.Thr234Ile (NM_001293212.2); c.509C>T, p.Thr170Ile (NM_001293214.2); c.425C>T, p.Thr142Ile (NM_001293215.2, NM_001293216.2); c.369+272C>T (NM_001293213.2); short protein forms T142I, T170I, T214I, T234I.
Identifiers: ClinVar variation 5018128 (VCV005018128.1).
Genomic context (GRCh38, chr6:30,723,703, plus strand): 5'-AGAATACTGATGAGACCTATTGCATTGACAACGAGGCCCTCTATGATATCTGCTTCCGCA[C>T]TCTGAAGCTGACCACACCAACCTACGGGGATCTGAACCACCTTGTCTCAGCCACCATGAG-3'
Protein context (NP_821133.1, residues 204-224): NEALYDICFR[Thr214Ile]LKLTTPTYGD